The following is an entry in ClinVar:

ClinVar aggregate classification (germline): Conflicting classifications of pathogenicity. Review status: criteria provided, conflicting classifications (1 of 4 stars). 2 submissions from 2 submitters: Uncertain significance (1); Likely benign (1). Last evaluated 2026-07-07.

Allele frequency attached by ClinVar (database versions not stated): ESP Exome Variant Server 0.00208; 1000 Genomes Project 0.00280; gnomAD 0.00310; 1000 Genomes Project 30x 0.00312; TOPMed 0.00349.
gnomAD v4.1: 5,997 of 1,613,354 alleles (0.37%); highest among the groups gnomAD compares: Non-Finnish European, 0.42%; 19 homozygotes.

Submissions (2):

GeneDx
Classification: Uncertain significance. Last evaluated: 2026-07-07. Review status: criteria provided, single submitter. Criteria: GeneDx Variant Classification Process June 2021. Collection method: clinical testing. Allele origin: germline.
Comment: In silico analysis supports that this missense variant has a deleterious effect on protein structure/function; This variant is associated with the following publications: (PMID: 24438375, 29544636, 24980253, 21226076, 20705511, 34409039, 27603904, 34095689, 18164539, 30944702, 16954162, 32155011, 35013061, 27301361, 41458559, 38942181, 40005388)

CeGaT Center for Human Genetics Tuebingen
Classification: Likely benign. Last evaluated: 2023-05-01. Review status: criteria provided, single submitter. Criteria: CeGaT Center For Human Genetics Tuebingen Variant Classification Criteria Version 2. Collection method: clinical testing. Allele origin: germline. Affected: yes. Observed: 1 variant allele.
Comment: GDF9: BS2

NM_005260.7(GDF9):c.1360C>T (p.Arg454Cys)

Gene: GDF9 (growth differentiation factor 9; minus strand). Cytogenetic location: 5q31.1.
Variant type: single nucleotide variant.
Coding change: c.1360C>T on transcript NM_005260.7 (MANE Select); coding-DNA position 1360, C replaced by T.
Protein change: p.Arg454Cys; replaces arginine 454 with cysteine.
Molecular consequence: missense variant.
Genome position (GRCh38, 1-based): chr5:132,861,594, G>A on the plus strand (C>T on the coding strand, the complement: GDF9 is on the minus strand). VCF-style: chr5-132861594-G-A. GRCh37 (hg19) VCF-style: chr5-132197286-G-A.
Other names: c.1360C>T (NM_005260.3); c.1096C>T, p.Arg366Cys (NM_001288824.4, NM_001288825.4, NM_001288826.3 and 2 more transcripts); short protein forms R366C, R454C.
Identifiers: ClinVar variation 2571230 (VCV002571230.28), dbSNP rs61754582, ClinGen allele CA3408118.
Genomic context (GRCh38, chr5:132,861,594, plus strand): 5'-AGGCACACAGTAGTTACTTTGCCAAATAGGCTCAAGGTTTTAAGAGGACCATTTGTTAAC[G>A]ACAGGTGCACTTTGTAGCTATCATATCTTCGTACTCTTTATAGGCAATTGAGCCATCGGG-3'
Protein context (NP_005251.1, residues 444-454): EDMIATKCTC[Arg454Cys]